The following is an entry in ClinVar:

ClinVar aggregate classification (germline): Uncertain significance (1 of 4 stars; one submission).

Submission:

Dasa
Classification: Uncertain significance. Last evaluated: 2025-07-24. Review status: criteria provided, single submitter. Criteria: DASA Assertion Criteria. Collection method: clinical testing. Allele origin: germline.
Comment: NM_014795.4(ZEB2):c.781G>T (p.Val261Leu) is a missense variant that results in the substitution of valine with leucine. This variant is absent from population databases. Computational prediction algorithms are consistent with a benign effect. The currently available literature and clinical evidence are not sufficient to establish a definitive association between this variant and the reported condition. Therefore, this variant is classified as a variant of uncertain significance.

NM_014795.4(ZEB2):c.781G>T (p.Val261Leu)

Gene: ZEB2 (zinc finger E-box binding homeobox 2; minus strand). Cytogenetic location: 2q22.3.
Variant type: single nucleotide variant.
Coding change: c.781G>T on transcript NM_014795.4 (MANE Select); coding-DNA position 781, G replaced by T.
Protein change: p.Val261Leu; replaces valine 261 with leucine.
Molecular consequence: missense variant.
Genome position (GRCh38, 1-based): chr2:144,403,942, C>A on the plus strand (G>T on the coding strand, the complement: ZEB2 is on the minus strand). VCF-style: chr2-144403942-C-A. GRCh37 (hg19) VCF-style: chr2-145161509-C-A.
Other names: c.709G>T, p.Val237Leu (NM_001171653.2); short protein forms V237L, V261L.
Identifiers: ClinVar variation 4882016 (VCV004882016.2).